The following is an entry in ClinVar:

ClinVar aggregate classification (germline): Uncertain significance (1 of 4 stars; one submission).

Allele frequency attached by ClinVar (database versions not stated): TOPMed below 0.00001.

Submission:

Labcorp Genetics (formerly Invitae), Labcorp
Classification: Uncertain significance. Last evaluated: 2024-06-17. Review status: criteria provided, single submitter. Criteria: Invitae Variant Classification Sherloc (09022015). Collection method: clinical testing. Allele origin: germline.
Comment: This sequence change replaces histidine, which is basic and polar, with leucine, which is neutral and non-polar, at codon 348 of the LCT protein (p.His348Leu). This variant is not present in population databases (gnomAD no frequency). This variant has not been reported in the literature in individuals affected with LCT-related conditions. ClinVar contains an entry for this variant (Variation ID: 1919503). Algorithms developed to predict the effect of missense changes on protein structure and function output the following: SIFT: "Not Available"; PolyPhen-2: "Benign"; Align-GVGD: "Not Available". The leucine amino acid residue is found in multiple mammalian species, which suggests that this missense change does not adversely affect protein function. In summary, the available evidence is currently insufficient to determine the role of this variant in disease. Therefore, it has been classified as a Variant of Uncertain Significance.

NM_002299.4(LCT):c.1043A>T (p.His348Leu)

Genes: LCT (lactase; minus strand), LOC126806353 (BRD4-independent group 4 enhancer GRCh37_chr2:136574960-136576159; plus strand). Cytogenetic location: 2q21.3.
Variant type: single nucleotide variant.
Coding change: c.1043A>T on transcript NM_002299.4 (MANE Select); coding-DNA position 1043, A replaced by T.
Protein change: p.His348Leu; replaces histidine 348 with leucine.
Molecular consequence: missense variant.
Genome position (GRCh38, 1-based): chr2:135,818,005, T>A on the plus strand (A>T on the coding strand, the complement: LCT is on the minus strand). VCF-style: chr2-135818005-T-A. GRCh37 (hg19) VCF-style: chr2-136575575-T-A.
Other names: short protein forms H348L.
Identifiers: ClinVar variation 1919503 (VCV001919503.5), dbSNP rs1020008967, ClinGen allele CA56623880.